The following is an entry in ClinVar:

NM_001844.5(COL2A1):c.4274G>T (p.Gly1425Val)

Gene: COL2A1 (collagen type II alpha 1 chain; minus strand). Cytogenetic location: 12q13.11.
Variant type: single nucleotide variant.
Coding change: c.4274G>T on transcript NM_001844.5 (MANE Select); coding-DNA position 4274, G replaced by T.
Protein change: p.Gly1425Val; replaces glycine 1425 with valine.
Molecular consequence: missense variant.
Genome position (GRCh38, 1-based): chr12:47,974,132, C>A on the plus strand (G>T on the coding strand, the complement: COL2A1 is on the minus strand). VCF-style: chr12-47974132-C-A. GRCh37 (hg19) VCF-style: chr12-48367915-C-A.
Other names: c.4067G>T, p.Gly1356Val (NM_033150.3); short protein forms G1356V, G1425V.
Identifiers: ClinVar variation 3361336 (VCV003361336.2).

ClinVar aggregate classification (germline): Uncertain significance (1 of 4 stars; one submission).

Submission:

GeneDx
Classification: Uncertain significance. Last evaluated: 2025-06-09. Review status: criteria provided, single submitter. Criteria: GeneDx Variant Classification Process June 2021. Collection method: clinical testing. Allele origin: germline.
Comment: Not observed at significant frequency in large population cohorts (gnomAD); In silico analysis supports that this missense variant has a deleterious effect on protein structure/function; Not located in the triple helical region, where the majority of pathogenic missense variants occur (HGMD); Has not been previously published as pathogenic or benign to our knowledge